The following continues an entry in ClinVar:

NM_000535.7(PMS2):c.1510G>C (p.Glu504Gln)

Gene: PMS2. ClinVar aggregate classification (germline): Conflicting classifications of pathogenicity. Uncertain significance (8); Benign (1); Likely benign (3).

Submissions 8 to 13 of 13:

Color Diagnostics, LLC DBA Color Health
Classification: Uncertain significance for Hereditary cancer-predisposing syndrome. Last evaluated: 2024-05-01. Review status: criteria provided, single submitter. Criteria: ACMG Guidelines, 2015. Collection method: clinical testing. Allele origin: germline.
Comment: This missense variant replaces glutamic acid with glutamine at codon 504 of the PMS2 protein. Computational prediction suggests that this variant may not impact protein structure and function (internally defined REVEL score threshold <= 0.5, PMID: 27666373). A functional study has shown that this variant does not impact mismatch-repair activity of the PMS2 protein (PMID: 27435373). This variant has been reported in an individual affected with suspected Lynch syndrome with tumor data demonstrating high microsatellite instability and loss of MLH1 and PMS2 via immunohistochemistry (PMID: 27435373). This individual also carried another MLH1 variant. This variant has also been reported in an individual affected with colorectal cancer (PMID: 28135145). This variant has also been identified in 9/282786 chromosomes in the general population by the Genome Aggregation Database (gnomAD). The available evidence is insufficient to determine the role of this variant in disease conclusively. Therefore, this variant is classified as a Variant of Uncertain Significance.

Blueprint Genetics
Classification: Likely benign. Last evaluated: 2024-04-15. Review status: criteria provided, single submitter. Criteria: ACMG Guidelines, 2015. Collection method: clinical testing. Allele origin: germline.

Baylor Genetics
Classification: Uncertain significance for Lynch syndrome 4. Last evaluated: 2024-02-23. Review status: criteria provided, single submitter. Criteria: ACMG Guidelines, 2015. Collection method: clinical testing. Allele origin: unknown.

Sema4
Classification: Uncertain significance for Hereditary cancer-predisposing syndrome. Last evaluated: 2021-12-22. Review status: criteria provided, single submitter. Criteria: Sema4 Curation Guidelines. Collection method: curation. Allele origin: germline.
Comment: The PMS2 c.1510G>C (p.E504Q) variant has been reported in heterozygosity in at least two individuals with colorectal cancer (PMID: 28135145, 27435373). This variant has also been reported in a large case-control study of breast cancer in 6/60466 cases and 4/53461 controls (PMID: 33471991). It was observed in 8/129134 chromosomes in the Non-Finnish European subpopulation in the large and broad cohorts of the Genome Aggregation Database (PMID: 32461654). This variant has been reported in ClinVar (Variation ID: 91305). In silico predictions of the variant's effect on protein function are inconclusive. Functional studies demonstrate that this variant has a proficient mismatch repair activity as compared to the wild type (PMID: 27435373). The evidence is insufficient to meet ACMG/AMP criteria for classifying the variant as benign or pathogenic. Thus, the clinical significance of this variant is currently uncertain.

Ambry Genetics
Classification: Likely benign for Hereditary cancer-predisposing syndrome. Last evaluated: 2018-06-13. Review status: criteria provided, single submitter. Criteria: Ambry Variant Classification Scheme 2023. Collection method: clinical testing. Allele origin: germline.

Department of Pathology and Laboratory Medicine, Sinai Health System
Classification: Likely benign for Malignant tumor of breast. Review status: no assertion criteria provided. Collection method: clinical testing. Allele origin: unknown. Affected: yes. Study: The Canadian Open Genetics Repository (COGR). Not counted in ClinVar's aggregate classification.
Comment: The PMS2 p.Glu504Gln variant was identified in 2 of 2908 proband chromosomes (frequency: 0.0007) from Dutch and American individuals or families with CRC or suspected hereditary cancer (van der Klift 2016,Yurgelun 2017). The variant co-occurred with MLH1 c.1744C>T, p.Leu582Phe in one patient and was found to show proficiency in a functional MMR assay (van der Klift 2016). The variant was identified in dbSNP (ID: rs368516768) â€šÃ„ÃºWith other alleleâ€šÃ„Ã¹, ClinVar (classified uncertain significance by InSIGHT, Invitae, GeneDx and Color, and likely benign by Ambry Genetics). The variant was also identified in control databases in 10 of 277148 chromosomes at a frequency of 0.00004 (Genome Aggregation Database Feb 27, 2017), observed in the following populations: African in 1 of 24030 chromosomes (freq: 0.00004) and European Non-Finnish in 9 of 126660 chromosomes (freq: 0.00007); it was not observed in the Other, Latino, Ashkenazi Jewish, East Asian, European Finnish, and South Asian populations. The p.Glu504 residue is not conserved in mammals and four out of five computational analyses (PolyPhen-2, SIFT, AlignGVGD, BLOSUM, MutationTaster) do not suggest a high likelihood the variant Gln impacts the protein; however, this information is not predictive enough to rule out pathogenicity. The variant occurs outside of the splicing consensus sequence and 2 of 4 in silico or computational prediction software programs (SpliceSiteFinder, MaxEntScan, NNSPLICE, GeneSplicer) predict a greater than 10% difference in splicing; this is not very predictive of pathogenicity. In summary, based on the above information the clinical significance of this variant cannot be determined with certainty at this time although we would lean towards a more benign role for this variant. This variant is classified as likely benign.

Literature cited by the submitters: PubMed 39334433 (cited by Quest Diagnostics Nichols Institute San Juan Capistrano); PubMed 38136308 (cited by Quest Diagnostics Nichols Institute San Juan Capistrano); PubMed 34162944 (cited by Quest Diagnostics Nichols Institute San Juan Capistrano); PubMed 35273153 (cited by Quest Diagnostics Nichols Institute San Juan Capistrano); PubMed 28135145 (cited by 5 submitters); PubMed 27435373 (cited by 6 submitters); PubMed 26333163 (cited by Quest Diagnostics Nichols Institute San Juan Capistrano and Women's Health and Genetics/Laboratory Corporation of America, LabCorp); PubMed 33471991 (cited by Quest Diagnostics Nichols Institute San Juan Capistrano and Sema4).